The following is an entry in ClinVar:

ClinVar aggregate classification (germline): Uncertain significance. Review status: criteria provided, multiple submitters, no conflicts (2 of 4 stars). 3 submissions from 3 submitters: Uncertain significance (3). Last evaluated 2025-05-29.

Conditions:
Gorlin syndrome. Also called: Basal cell nevus syndrome; Nevoid Basal Cell Carcinoma Syndrome. Identifiers: Orphanet 377, MedGen C0004779, MONDO:0007187.
Medulloblastoma (MDB). Also called: MEDULLOBLASTOMA PREDISPOSITION SYNDROME; Medulloblastoma, somatic. Identifiers: Orphanet 616, MedGen C0025149, MeSH D008527, MONDO:0007959, OMIM 155255, HP:0002885.
Hereditary cancer-predisposing syndrome. Also called: Hereditary neoplastic syndrome; Tumor predisposition; Neoplastic Syndromes, Hereditary; Hereditary Cancer Syndrome. Identifiers: Orphanet 140162, MedGen C0027672, MeSH D009386, MONDO:0015356.

Allele frequency attached by ClinVar (database versions not stated): gnomAD exomes below 0.00001.
gnomAD v4.1: 3 of 1,614,204 alleles (0.00019%); highest among the groups gnomAD compares: Non-Finnish European, 0.00017%; no homozygotes.

Submissions (3):

Quest Diagnostics Nichols Institute San Juan Capistrano
Classification: Uncertain significance. Last evaluated: 2025-05-29. Review status: criteria provided, single submitter. Criteria: Quest Diagnostics criteria. Collection method: clinical testing. Allele origin: unknown.
Comment: The SUFU c.614C>T (p.Thr205Ile) variant has not been reported in individuals with SUFU-related conditions in the published literature. The frequency of this variant in the general population (Genome Aggregation Database) is uninformative in the assessment of its pathogenicity. Analysis of this variant using bioinformatics tools for the prediction of the effect of amino acid changes on protein structure and function yielded conflicting predictions that this variant is deleterious or benign. Based on the available information, we are unable to determine the clinical significance of this variant.

Labcorp Genetics (formerly Invitae), Labcorp
Classification: Uncertain significance for Gorlin syndrome; Medulloblastoma. Last evaluated: 2024-02-12. Review status: criteria provided, single submitter. Criteria: Invitae Variant Classification Sherloc (09022015). Collection method: clinical testing. Allele origin: germline.
Comment: This sequence change replaces threonine, which is neutral and polar, with isoleucine, which is neutral and non-polar, at codon 205 of the SUFU protein (p.Thr205Ile). This variant is present in population databases (no rsID available, gnomAD 0.0009%). This variant has not been reported in the literature in individuals affected with SUFU-related conditions. ClinVar contains an entry for this variant (Variation ID: 956664). Advanced modeling of protein sequence and biophysical properties (such as structural, functional, and spatial information, amino acid conservation, physicochemical variation, residue mobility, and thermodynamic stability) performed at Invitae indicates that this missense variant is not expected to disrupt SUFU protein function with a negative predictive value of 80%. In summary, the available evidence is currently insufficient to determine the role of this variant in disease. Therefore, it has been classified as a Variant of Uncertain Significance.

Ambry Genetics
Classification: Uncertain significance for Hereditary cancer-predisposing syndrome. Last evaluated: 2022-08-04. Review status: criteria provided, single submitter. Criteria: Ambry Variant Classification Scheme 2023. Collection method: clinical testing. Allele origin: germline.
Comment: The p.T205I variant (also known as c.614C>T), located in coding exon 5 of the SUFU gene, results from a C to T substitution at nucleotide position 614. The threonine at codon 205 is replaced by isoleucine, an amino acid with similar properties. This amino acid position is highly conserved in available vertebrate species. In addition, the in silico prediction for this alteration is inconclusive. Since supporting evidence is limited at this time, the clinical significance of this alteration remains unclear.

NM_016169.4(SUFU):c.614C>T (p.Thr205Ile)

Gene: SUFU (SUFU negative regulator of hedgehog signaling; plus strand). Cytogenetic location: 10q24.32.
Variant type: single nucleotide variant.
Coding change: c.614C>T on transcript NM_016169.4 (MANE Select); coding-DNA position 614, C replaced by T.
Protein change: p.Thr205Ile; replaces threonine 205 with isoleucine.
Molecular consequence: missense variant.
Genome position (GRCh38, 1-based): chr10:102,593,652, C>T. VCF-style: chr10-102593652-C-T. GRCh37 (hg19) VCF-style: chr10-104353409-C-T.
Other names: c.614C>T, p.Thr205Ile (NM_001178133.2); short protein forms T205I.
Identifiers: ClinVar variation 956664 (VCV000956664.13), dbSNP rs1478836560, ClinGen allele CA377909412.